The following is an entry in ClinVar:

NM_001244926.2(PRPF4):c.191T>C (p.Ile64Thr)

Gene: PRPF4 (pre-mRNA splicing tri-snRNP complex factor PRPF4; plus strand). Cytogenetic location: 9q32.
Variant type: single nucleotide variant.
Coding change: c.191T>C on transcript NM_001244926.2 (MANE Select); coding-DNA position 191, T replaced by C.
Protein change: p.Ile64Thr; replaces isoleucine 64 with threonine.
Molecular consequence: missense variant. On other transcripts: 5 prime UTR variant (2), non-coding transcript variant (2).
Genome position (GRCh38, 1-based): chr9:113,276,711, T>C. VCF-style: chr9-113276711-T-C. GRCh37 (hg19) VCF-style: chr9-116038991-T-C.
Other names: c.-575T>C (NM_001322266.2, NM_001322267.2); c.194T>C, p.Ile65Thr (NM_004697.5); short protein forms I64T, I65T.
Identifiers: ClinVar variation 2966540 (VCV002966540.3), dbSNP rs781636554, ClinGen allele CA5194789.

ClinVar aggregate classification (germline): Uncertain significance (1 of 4 stars; one submission).

Allele frequency attached by ClinVar (database versions not stated): TOPMed below 0.00001; ExAC 0.00001.
gnomAD v4.1: 12 of 1,613,034 alleles (0.00074%); highest among the groups gnomAD compares: Admixed American, 0.0067%; no homozygotes.

Submission:

Labcorp Genetics (formerly Invitae), Labcorp
Classification: Uncertain significance. Last evaluated: 2025-07-06. Review status: criteria provided, single submitter. Criteria: Invitae Variant Classification Sherloc (09022015). Collection method: clinical testing. Allele origin: germline.
Comment: This sequence change replaces isoleucine, which is neutral and non-polar, with threonine, which is neutral and polar, at codon 65 of the PRPF4 protein (p.Ile65Thr). This variant is present in population databases (rs781636554, gnomAD 0.01%). This variant has not been reported in the literature in individuals affected with PRPF4-related conditions. ClinVar contains an entry for this variant (Variation ID: 2966540). An algorithm developed to predict the effect of missense changes on protein structure and function (PolyPhen-2) suggests that this variant is likely to be disruptive. In summary, the available evidence is currently insufficient to determine the role of this variant in disease. Therefore, it has been classified as a Variant of Uncertain Significance.